The following is an entry in ClinVar:

ClinVar aggregate classification (germline): Benign. Review status: criteria provided, multiple submitters, no conflicts (2 of 4 stars). 2 submissions from 2 submitters: Benign (2). Last evaluated 2026-06-01.

Allele frequency attached by ClinVar (database versions not stated): 1000 Genomes Project 0.00399; 1000 Genomes Project 30x 0.00437; TOPMed 0.00456; gnomAD 0.00480 and 0.00504; gnomAD exomes 0.00548 and 0.00849; ExAC 0.00581; ESP Exome Variant Server 0.00686.
gnomAD v4.1: 13,124 of 1,613,988 alleles (0.81%); highest among the groups gnomAD compares: South Asian, 1.1%; 78 homozygotes.

Submissions (2):

CeGaT Center for Human Genetics Tuebingen
Classification: Benign. Last evaluated: 2026-06-01. Review status: criteria provided, single submitter. Criteria: CeGaT Center For Human Genetics Tuebingen Variant Classification Criteria Version 2. Collection method: clinical testing. Allele origin: germline. Affected: yes. Observed: 6 variant alleles.
Comment: ZFHX4: BP4, BS1, BS2

Labcorp Genetics (formerly Invitae), Labcorp
Classification: Benign. Last evaluated: 2019-12-31. Review status: criteria provided, single submitter. Criteria: Invitae Variant Classification Sherloc (09022015). Collection method: clinical testing. Allele origin: germline.

NM_024721.5(ZFHX4):c.3738C>T (p.Ile1246=)

Gene: ZFHX4 (zinc finger homeobox 4; plus strand). Cytogenetic location: 8q21.13.
Variant type: single nucleotide variant.
Coding change: c.3738C>T on transcript NM_024721.5 (MANE Select); coding-DNA position 3738, C replaced by T.
Protein change: p.Ile1246=; no amino-acid change (isoleucine 1246 retained).
Molecular consequence: synonymous variant.
Genome position (GRCh38, 1-based): chr8:76,849,604, C>T. VCF-style: chr8-76849604-C-T. GRCh37 (hg19) VCF-style: chr8-77761840-C-T.
Identifiers: ClinVar variation 776359 (VCV000776359.17), dbSNP rs61729526, ClinGen allele CA4787353.
Genomic context (GRCh38, chr8:76,849,604, plus strand): 5'-TAGGGACCAAAGTCGTATCCAGATGCACGTCCTATCACAGCACTCGGTGCAGCCGGTCAT[C>T]TGCTGTCCTCTCTGTCAGGACGTCCTCAGCAACAAAATGCATCTCCAACTGCATCTGACG-3'
Protein context (NP_078997.4, residues 1236-1256): VLSQHSVQPV[Ile1246=]CCPLCQDVLS